The following is an entry in ClinVar:

NM_001042492.3(NF1):c.4892T>C (p.Leu1631Ser)

Gene: NF1 (neurofibromin 1; plus strand). Cytogenetic location: 17q11.2.
Variant type: single nucleotide variant.
Coding change: c.4892T>C on transcript NM_001042492.3 (MANE Select); coding-DNA position 4892, T replaced by C.
Protein change: p.Leu1631Ser; replaces leucine 1631 with serine.
Molecular consequence: missense variant.
Genome position (GRCh38, 1-based): chr17:31,325,876, T>C. VCF-style: chr17-31325876-T-C. GRCh37 (hg19) VCF-style: chr17-29652894-T-C.
Other names: c.4829T>C, p.Leu1610Ser (NM_000267.4); short protein forms L1610S, L1631S.
Identifiers: ClinVar variation 561962 (VCV000561962.3), dbSNP rs1555533292, ClinGen allele CA399007045.

ClinVar aggregate classification (germline): Uncertain significance. Review status: criteria provided, multiple submitters, no conflicts (2 of 4 stars). 2 submissions from 2 submitters: Uncertain significance (2). Last evaluated 2022-09-20.

Conditions:
Cardiovascular phenotype. Identifiers: MedGen CN230736.
Hereditary cancer-predisposing syndrome. Also called: Hereditary neoplastic syndrome; Neoplastic Syndromes, Hereditary; Tumor predisposition; Hereditary Cancer Syndrome. Identifiers: Orphanet 140162, MedGen C0027672, MeSH D009386, MONDO:0015356.

gnomAD v4.1: 1 of 1,614,230 alleles (0.000062%); highest among the groups gnomAD compares: Non-Finnish European, 0.000085%; no homozygotes.

Submissions (2):

Ambry Genetics
Classification: Uncertain significance for Cardiovascular phenotype; Hereditary cancer-predisposing syndrome. Last evaluated: 2022-09-20. Review status: criteria provided, single submitter. Criteria: Ambry Variant Classification Scheme 2023. Collection method: clinical testing. Allele origin: germline.
Comment: The p.L1610S variant (also known as c.4829T>C), located in coding exon 36 of the NF1 gene, results from a T to C substitution at nucleotide position 4829. The leucine at codon 1610 is replaced by serine, an amino acid with dissimilar properties. This amino acid position is conserved. In addition, this alteration is predicted to be deleterious by in silico analysis. Since supporting evidence is limited at this time, the clinical significance of this alteration remains unclear.

GeneDx
Classification: Uncertain significance. Last evaluated: 2018-07-31. Review status: criteria provided, single submitter. Criteria: GeneDx Variant Classification (06012015). Collection method: clinical testing. Allele origin: germline. Affected: yes.
Comment: The L1610S variant has not been published as a pathogenic variant, nor has it been reported as a benign variant to our knowledge. The L1610S variant is not observed in large population cohorts (Lek et al., 2016). The L1610S variant is a non-conservative amino acid substitution, which is likely to impact secondary protein structure as these residues differ in polarity, charge, size and/or other properties. In-silico analyses, including protein predictors and evolutionary conservation, support a deleterious effect. Based on the currently available information, it is unclear whether this variant is a pathogenic variant or a rare benign variant.